The following is an entry in ClinVar:

NM_003060.4(SLC22A5):c.1084del (p.Ser362fs)

Gene: SLC22A5 (solute carrier family 22 member 5; plus strand). Cytogenetic location: 5q31.1.
Variant type: Deletion.
Coding change: c.1084del on transcript NM_003060.4 (MANE Select); coding-DNA position 1084, one base deleted (T; older notation c.1084delT).
Protein change: p.Ser362fs; shifts the reading frame from serine 362.
Molecular consequence: frameshift variant.
Genome position (GRCh38, 1-based): chr5:132,390,721, T deleted; the last of 3 consecutive T bases (chr5:132,390,719-132,390,721); deleting any one gives the same sequence. VCF-style (leftmost placement, unchanged base first): chr5-132390718-CT-C. GRCh37 (hg19) VCF-style: chr5-131726410-CT-C.
Other names: c.1156del, p.Ser386fs (NM_001308122.2); short protein forms S362fs, S386fs.
Identifiers: ClinVar variation 813361 (VCV000813361.12), dbSNP rs1580892239, ClinGen allele CA915943456.

ClinVar aggregate classification (germline): Pathogenic/Likely pathogenic. Review status: criteria provided, multiple submitters, no conflicts (2 of 4 stars). 3 submissions from 3 submitters: Pathogenic (2); Likely pathogenic (1). Last evaluated 2023-11-27.

Conditions:
Renal carnitine transport defect (CDSP). Also called: Carnitine transporter deficiency; Systemic primary carnitine deficiency; CARNITINE DEFICIENCY, SYSTEMIC, DUE TO DEFECT IN RENAL REABSORPTION OF CARNITINE; CARNITINE TRANSPORTER, PLASMA-MEMBRANE, DEFICIENCY OF; CARNITINE UPTAKE DEFECT; Primary carnitine deficiency. Identifiers: Orphanet 158, MedGen C0342788, MONDO:0008919, OMIM 212140.

Submissions (3):

Baylor Genetics
Classification: Likely pathogenic for Renal carnitine transport defect. Last evaluated: 2023-11-27. Review status: criteria provided, single submitter. Criteria: ACMG Guidelines, 2015. Collection method: clinical testing. Allele origin: unknown.

Labcorp Genetics (formerly Invitae), Labcorp
Classification: Pathogenic for Renal carnitine transport defect. Last evaluated: 2022-03-13. Review status: criteria provided, single submitter. Criteria: Invitae Variant Classification Sherloc (09022015). Collection method: clinical testing. Allele origin: germline.
Comment: This sequence change creates a premature translational stop signal (p.Ser362Argfs*13) in the SLC22A5 gene. It is expected to result in an absent or disrupted protein product. Loss-of-function variants in SLC22A5 are known to be pathogenic (PMID: 9916797). This variant is not present in population databases (gnomAD no frequency). This variant has not been reported in the literature in individuals affected with SLC22A5-related conditions. ClinVar contains an entry for this variant (Variation ID: 813361). For these reasons, this variant has been classified as Pathogenic.

Genome-Nilou Lab
Classification: Pathogenic for Renal carnitine transport defect. Last evaluated: 2021-07-15. Review status: criteria provided, single submitter. Criteria: ACMG Guidelines, 2015. Collection method: clinical testing. Allele origin: germline. Affected: no.

Literature cited by the submitters: PubMed 9916797 (cited by Labcorp Genetics (formerly Invitae), Labcorp).